The following is an entry in ClinVar:

ClinVar aggregate classification (germline): Uncertain significance (1 of 4 stars; one submission).

Submission:

GeneDx
Classification: Uncertain significance. Last evaluated: 2025-04-02. Review status: criteria provided, single submitter. Criteria: GeneDx Variant Classification Process June 2021. Collection method: clinical testing. Allele origin: germline. Affected: yes.
Comment: Not observed at significant frequency in large population cohorts (gnomAD); In silico analysis supports that this missense variant has a deleterious effect on protein structure/function; Has not been previously published as pathogenic or benign to our knowledge

NM_000827.4(GRIA1):c.1693T>C (p.Trp565Arg)

Gene: GRIA1 (glutamate ionotropic receptor AMPA type subunit 1; plus strand). Cytogenetic location: 5q33.2.
Variant type: single nucleotide variant.
Coding change: c.1693T>C on transcript NM_000827.4 (MANE Select); coding-DNA position 1693, T replaced by C.
Protein change: p.Trp565Arg; replaces tryptophan 565 with arginine.
Molecular consequence: missense variant. On other transcripts: non-coding transcript variant (2).
Genome position (GRCh38, 1-based): chr5:153,705,937, T>C. VCF-style: chr5-153705937-T-C. GRCh37 (hg19) VCF-style: chr5-153085497-T-C.
Other names: c.1693T>C, p.Trp565Arg (NM_001114183.2); c.1453T>C, p.Trp485Arg (NM_001258019.2); c.1408T>C, p.Trp470Arg (NM_001258020.2); c.1723T>C, p.Trp575Arg (NM_001258021.2, NM_001258022.2); c.1486T>C, p.Trp496Arg (NM_001258023.1, NM_001364167.2); c.1525T>C, p.Trp509Arg (NM_001364165.2); c.1720T>C, p.Trp574Arg (NM_001364166.2); short protein forms W470R, W485R, W496R, W509R, W565R, W574R, W575R.
Identifiers: ClinVar variation 4278687 (VCV004278687.1).